The following is an entry in ClinVar:

NM_007194.4(CHEK2):c.203C>T (p.Thr68Ile)

Gene: CHEK2 (checkpoint kinase 2; minus strand). Cytogenetic location: 22q12.1.
Variant type: single nucleotide variant.
Coding change: c.203C>T on transcript NM_007194.4 (MANE Select); coding-DNA position 203, C replaced by T.
Protein change: p.Thr68Ile; replaces threonine 68 with isoleucine.
Molecular consequence: missense variant.
Genome position (GRCh38, 1-based): chr22:28,734,519, G>A on the plus strand (C>T on the coding strand, the complement: CHEK2 is on the minus strand). VCF-style: chr22-28734519-G-A. GRCh37 (hg19) VCF-style: chr22-29130507-G-A.
Other names: c.203C>T, p.Thr68Ile (NM_001005735.3, NM_001349956.3, NM_145862.3); c.-575C>T (NM_001257387.3); short protein forms T68I.
Identifiers: ClinVar variation 2118633 (VCV002118633.4), dbSNP rs2146147653, ClinGen allele CA411090795.

ClinVar aggregate classification (germline): Uncertain significance (1 of 4 stars; one submission).

Conditions:
Familial cancer of breast. Also called: BREAST CANCER, FAMILIAL; Hereditary breast cancer; hereditary breast carcinoma. Identifiers: Orphanet 227535, MedGen C0346153, MONDO:0016419, OMIM 114480. Disease mechanism: loss of function.

Submission:

Labcorp Genetics (formerly Invitae), Labcorp
Classification: Uncertain significance for Familial cancer of breast. Last evaluated: 2025-02-02. Review status: criteria provided, single submitter. Criteria: Invitae Variant Classification Sherloc (09022015). Collection method: clinical testing. Allele origin: germline.
Comment: This sequence change replaces threonine, which is neutral and polar, with isoleucine, which is neutral and non-polar, at codon 68 of the CHEK2 protein (p.Thr68Ile). This variant is not present in population databases (gnomAD no frequency). This variant has not been reported in the literature in individuals affected with CHEK2-related conditions. ClinVar contains an entry for this variant (Variation ID: 2118633). An algorithm developed to predict the effect of missense changes on protein structure and function (PolyPhen-2) suggests that this variant is likely to be disruptive. In summary, the available evidence is currently insufficient to determine the role of this variant in disease. Therefore, it has been classified as a Variant of Uncertain Significance.